The following is an entry in ClinVar:

NM_001163435.3(TBCK):c.1823T>C (p.Leu608Pro)

Gene: TBCK (TBC1 domain containing kinase; minus strand). Cytogenetic location: 4q24.
Variant type: single nucleotide variant.
Coding change: c.1823T>C on transcript NM_001163435.3 (MANE Select); coding-DNA position 1823, T replaced by C.
Protein change: p.Leu608Pro; replaces leucine 608 with proline.
Molecular consequence: missense variant.
Genome position (GRCh38, 1-based): chr4:106,212,787, A>G on the plus strand (T>C on the coding strand, the complement: TBCK is on the minus strand). VCF-style: chr4-106212787-A-G. GRCh37 (hg19) VCF-style: chr4-107133944-A-G.
Other names: c.1823T>C, p.Leu608Pro (NM_001163436.4); c.1706T>C, p.Leu569Pro (NM_001163437.3); c.1307T>C, p.Leu436Pro (NM_001290768.2); c.1634T>C, p.Leu545Pro (NM_033115.5); short protein forms L436P, L545P, L569P, L608P.
Identifiers: ClinVar variation 3375710 (VCV003375710.2).

ClinVar aggregate classification (germline): Uncertain significance. Review status: criteria provided, multiple submitters, no conflicts (2 of 4 stars). 2 submissions from 2 submitters: Uncertain significance (2). Last evaluated 2025-07-01.

Conditions:
Hypotonia, infantile, with psychomotor retardation and characteristic facies 3 (IHPRF3). Also called: TBCK-Related Neurodevelopmental Disorder. Identifiers: Orphanet 488632, MedGen C5567480, MONDO:0014823, OMIM 616900.

Submissions (2):

3billion
Classification: Uncertain significance for Hypotonia, infantile, with psychomotor retardation and characteristic facies 3. Last evaluated: 2025-07-01. Review status: criteria provided, single submitter. Criteria: ACMG Guidelines, 2015. Collection method: clinical testing. Allele origin: germline. Affected: yes.
Comment: The variant is not observed in the gnomAD v4.1.0 dataset. Predicted Consequence/Location: Missense variant. The majority of the known disease-causing variants of this gene are variants expected to result in premature termination of the protein. In silico tool predictions suggest damaging effect of the variant on gene or gene product [REVEL: 0.78 (>=0.6, sensitivity 0.68 and specificity 0.92)]. The variant has been reported as of uncertain significance (ClinVar ID: VCV003375710). Therefore, this variant is classified as VUS according to the recommendation of ACMG/AMP guideline.

GeneDx
Classification: Uncertain significance. Last evaluated: 2024-05-10. Review status: criteria provided, single submitter. Criteria: GeneDx Variant Classification Process June 2021. Collection method: clinical testing. Allele origin: germline. Affected: yes.
Comment: Not observed at significant frequency in large population cohorts (gnomAD); In silico analysis supports that this missense variant has a deleterious effect on protein structure/function; Has not been previously published as pathogenic or benign to our knowledge